The following is an entry in ClinVar:

NM_000535.7(PMS2):c.706-1G>T

Gene: PMS2 (PMS1 homolog 2, mismatch repair system component; minus strand). Cytogenetic location: 7p22.1.
Variant type: single nucleotide variant.
Coding change: c.706-1G>T on transcript NM_000535.7 (MANE Select); the canonical splice acceptor site of the intron before coding-DNA position 706, G replaced by T.
Molecular consequence: splice acceptor variant. On other transcripts: intron variant (3).
Genome position (GRCh38, 1-based): chr7:5,997,424, C>A on the plus strand (G>T on the coding strand, the complement: PMS2 is on the minus strand). VCF-style: chr7-5997424-C-A. GRCh37 (hg19) VCF-style: chr7-6037055-C-A.
Other names: c.388-1G>T (NM_001322008.2, NM_001406902.1, NM_001406883.1 and 4 more transcripts); c.397-1G>T (NM_001406881.1, NM_001406879.1, NM_001322015.2 and 6 more transcripts); c.301-1G>T (NM_001406895.1, NM_001322010.2, NM_001322004.2 and 19 more transcripts); c.132+5029G>T (NM_001406911.1); c.193-1G>T (NM_001406904.1, NM_001406905.1); c.133-1G>T (NM_001322013.2, NM_001406909.1); c.-228-1G>T (NM_001322012.2, NM_001322011.2); c.370-1G>T (NM_001406885.1); and 7 more.
Identifiers: ClinVar variation 1756960 (VCV001756960.9), dbSNP rs1202370194, ClinGen allele CA366743799.

ClinVar aggregate classification (germline): Likely pathogenic. Review status: criteria provided, multiple submitters, no conflicts (2 of 4 stars). 5 submissions from 5 submitters: Likely pathogenic (5). Last evaluated 2024-08-20.

Conditions:
Lynch syndrome. Identifiers: Orphanet 144, MedGen C4552100, MONDO:0005835. Disease mechanism: loss of function.
Hereditary nonpolyposis colorectal neoplasms. Identifiers: MedGen C0009405, MeSH D003123.
Hereditary cancer-predisposing syndrome. Also called: Neoplastic Syndromes, Hereditary; Tumor predisposition; Hereditary Cancer Syndrome; Hereditary neoplastic syndrome. Identifiers: Orphanet 140162, MedGen C0027672, MeSH D009386, MONDO:0015356.
Lynch syndrome 4 (LYNCH4). Also called: Hereditary non-polyposis colorectal cancer, type 4; Colorectal cancer, hereditary nonpolyposis, type 4. Identifiers: Orphanet 144, MedGen C1838333, MONDO:0013699, OMIM 614337. Disease mechanism: loss of function.

Submissions (5):

Myriad Genetics, Inc.
Classification: Likely pathogenic for Lynch syndrome 4. Last evaluated: 2024-08-20. Review status: criteria provided, single submitter. Criteria: Myriad Autosomal Dominant, Autosomal Recessive and X-Linked Classification Criteria (2023). Collection method: clinical testing. Allele origin: unknown.
Comment: This variant is considered likely pathogenic. This variant occurs within a consensus splice junction and is predicted to result in abnormal mRNA splicing of either an out-of-frame exon or an in-frame exon necessary for protein stability and/or normal function.

Ambry Genetics
Classification: Likely pathogenic for Hereditary cancer-predisposing syndrome. Last evaluated: 2024-02-01. Review status: criteria provided, single submitter. Criteria: Ambry Variant Classification Scheme 2023. Collection method: clinical testing. Allele origin: germline.
Comment: The c.706-1G>T intronic variant results from a G to T substitution one nucleotide upstream from coding exon 7 of the PMS2 gene. This nucleotide position is highly conserved in available vertebrate species. In silico splice site analysis predicts that this alteration will weaken the native splice acceptor site and may result in the creation or strengthening of a novel splice acceptor site; however, direct evidence is insufficient at this time (Ambry internal data). Alterations that disrupt the canonical splice site are expected to cause aberrant splicing, resulting in an abnormal protein or a transcript that is subject to nonsense-mediated mRNA decay. As such, this alteration is classified as likely pathogenic.

Labcorp Genetics (formerly Invitae), Labcorp
Classification: Likely pathogenic for Hereditary nonpolyposis colorectal neoplasms. Last evaluated: 2023-04-06. Review status: criteria provided, single submitter. Criteria: Invitae Variant Classification Sherloc (09022015). Collection method: clinical testing. Allele origin: germline.
Comment: Disruption of this splice site has been observed in individual(s) with PMS2-related conditions (PMID: 31948886; Invitae). This sequence change affects an acceptor splice site in intron 6 of the PMS2 gene. It is expected to disrupt RNA splicing. Variants that disrupt the donor or acceptor splice site typically lead to a loss of protein function (PMID: 16199547), and loss-of-function variants in PMS2 are known to be pathogenic (PMID: 21376568, 24362816). The frequency data for this variant in the population databases is considered unreliable, as metrics indicate poor data quality at this position in the gnomAD database. ClinVar contains an entry for this variant (Variation ID: 1756960). Algorithms developed to predict the effect of sequence changes on RNA splicing suggest that this variant may disrupt the consensus splice site. In summary, the currently available evidence indicates that the variant is pathogenic, but additional data are needed to prove that conclusively. Therefore, this variant has been classified as Likely Pathogenic.

Revvity Omics, Revvity
Classification: Likely pathogenic. Last evaluated: 2023-03-15. Review status: criteria provided, single submitter. Criteria: ACMG Guidelines, 2015. Collection method: clinical testing. Allele origin: germline.

Laboratory for Molecular Medicine, Mass General Brigham Personalized Medicine
Classification: Likely pathogenic for Lynch syndrome. Last evaluated: 2018-04-02. Review status: criteria provided, single submitter. Criteria: ACMG Guidelines, 2015. Collection method: clinical testing. Allele origin: germline. Inheritance: Autosomal dominant inheritance.
Comment: The c.706-G>T variant in PMS2 has not been previously reported in individuals with Lynch syndrome or in large population studies. This variant occurs in the invariant region (+/- 1,2) of the splice consensus sequence and is predicted to cause altered splicing leading to an abnormal or absent protein. In summary, although additional studies are required to fully establish its clinical significance, the c.706-G>T variant is likely pathogenic. ACMG criteria applied: PVS1; PM2.

Literature cited by the submitters: PubMed 31948886 (cited by Labcorp Genetics (formerly Invitae), Labcorp); PubMed 16199547 (cited by Labcorp Genetics (formerly Invitae), Labcorp); PubMed 21376568 (cited by Labcorp Genetics (formerly Invitae), Labcorp); PubMed 24362816 (cited by Labcorp Genetics (formerly Invitae), Labcorp).